The following is an entry in ClinVar:

ClinVar aggregate classification (germline): Pathogenic/Likely pathogenic. Review status: criteria provided, multiple submitters, no conflicts (2 of 4 stars). 2 submissions from 2 submitters: Pathogenic (1); Likely pathogenic (1). Last evaluated 2026-07-01.

Conditions:
Glycogen storage disease, type II (IOPD). Also called: POMPE DISEASE, INFANTILE-ONSET; GLYCOGEN STORAGE DISEASE II, INFANTILE-ONSET; ACID ALPHA-GLUCOSIDASE DEFICIENCY, INFANTILE-ONSET; GAA DEFICIENCY, INFANTILE-ONSET; ACID MALTASE DEFICIENCY, INFANTILE-ONSET; Glucosidase acid-1,4-alpha deficiency. Identifiers: Orphanet 365, MedGen C0017921, MONDO:0009290, OMIM 232300.

Submissions (2):

Genomenon, Inc
Classification: Likely pathogenic for Glycogen storage disease, type II. Last evaluated: 2026-07-01. Review status: criteria provided, single submitter. Criteria: Genomenon Sequence Variant Interpretation Standards - Updated. Collection method: curation. Allele origin: germline. Affected: no.
Comment: GAA p.Gly473ArgfsTer33 (c.1416dup) is a frameshift variant that is predicted to introduce a premature termination codon and result in a truncated or absent protein product. This variant has been reported in the published literature (PMID:34530085). It is absent or not present at a significant frequency in gnomAD. In conclusion, we classify GAA p.Gly473ArgfsTer33 (c.1416dup) as a likely pathogenic variant.

Myriad Genetics, Inc.
Classification: Pathogenic for Glycogen storage disease, type II. Last evaluated: 2023-09-27. Review status: criteria provided, single submitter. Criteria: Myriad Autosomal Dominant, Autosomal Recessive and X-Linked Classification Criteria (2023). Collection method: clinical testing. Allele origin: unknown.
Comment: NM_000152.3(GAA):c.1416dupC(G473Rfs*33) is expected to be pathogenic in the context of Pompe disease. This variant is predicted to lead to an abnormal or absent protein product due to the creation of a premature termination codon in GAA, a gene where loss-of-function variants are known to be pathogenic. Please note: this variant was assessed in the context of healthy population screening.

Literature cited by the submitters: PubMed 34530085 (cited by Genomenon, Inc).

NM_000152.5(GAA):c.1416dup (p.Gly473fs)

Gene: GAA (alpha glucosidase; plus strand). Cytogenetic location: 17q25.3.
Variant type: Duplication.
Coding change: c.1416dup on transcript NM_000152.5 (MANE Select); coding-DNA position 1416, one base duplicated (C; older notation c.1416dupC).
Protein change: p.Gly473fs; shifts the reading frame from glycine 473.
Molecular consequence: frameshift variant.
Genome position (GRCh38, 1-based): chr17:80,110,034, C duplicated; the last of 2 consecutive C bases (chr17:80,110,033-80,110,034); duplicating either gives the same sequence. VCF-style (leftmost placement, unchanged base first): chr17-80110032-A-AC. GRCh37 (hg19) VCF-style: chr17-78083831-A-AC.
Other names: c.1416dup, p.Gly473fs (NM_001079803.3, NM_001079804.3, NM_001406741.1 and 1 more transcripts); short protein forms G473fs.
Identifiers: ClinVar variation 4876512 (VCV004876512.2).